The following is an entry in ClinVar:

NM_005902.4(SMAD3):c.517C>T (p.Gln173Ter)

Gene: SMAD3 (SMAD family member 3; plus strand). Cytogenetic location: 15q22.33.
Variant type: single nucleotide variant.
Coding change: c.517C>T on transcript NM_005902.4 (MANE Select); coding-DNA position 517, C replaced by T.
Protein change: p.Gln173Ter; replaces glutamine 173 with a stop codon.
Molecular consequence: nonsense. On other transcripts: intron variant (2).
Genome position (GRCh38, 1-based): chr15:67,165,369, C>T. VCF-style: chr15-67165369-C-T. GRCh37 (hg19) VCF-style: chr15-67457707-C-T.
Other names: c.202C>T, p.Gln68Ter (NM_001145102.2, NM_001407016.1); c.385C>T, p.Gln129Ter (NM_001145103.2); c.517C>T, p.Gln173Ter (NM_001407011.1, NM_001407013.1); c.370C>T, p.Gln124Ter (NM_001407014.1); c.400+281C>T (NM_001407012.1); c.85+281C>T (NM_001407015.1); short protein forms Q124*, Q129*, Q173*, Q68*.
Identifiers: ClinVar variation 3609726 (VCV003609726.2).

ClinVar aggregate classification (germline): Pathogenic (1 of 4 stars; one submission).

Conditions:
Familial thoracic aortic aneurysm and aortic dissection (TAAD). Also called: Thoracic aortic aneurysms and dissections. Identifiers: Orphanet 91387, MedGen C4707243, MONDO:0019625.

Submission:

Labcorp Genetics (formerly Invitae), Labcorp
Classification: Pathogenic for Familial thoracic aortic aneurysm and aortic dissection. Last evaluated: 2024-04-02. Review status: criteria provided, single submitter. Criteria: Invitae Variant Classification Sherloc (09022015). Collection method: clinical testing. Allele origin: germline.
Comment: This sequence change creates a premature translational stop signal (p.Gln173*) in the SMAD3 gene. It is expected to result in an absent or disrupted protein product. Loss-of-function variants in SMAD3 are known to be pathogenic (PMID: 21778426, 24804794). This variant is not present in population databases (gnomAD no frequency). This premature translational stop signal has been observed in individual(s) with SMAD3-related conditions (PMID: 30739908). For these reasons, this variant has been classified as Pathogenic.

Literature cited by the submitters: PubMed 21778426; PubMed 24804794; PubMed 30739908.